The following is an entry in ClinVar:

ClinVar aggregate classification (germline): Pathogenic (1 of 4 stars; one submission).

Conditions:
Type 2 diabetes mellitus. Also called: Type II diabetes mellitus. Identifiers: MedGen C0011860, MeSH D003924, MONDO:0005148, OMIM 125853, HP:0005978.

Submission:

Shanghai Diabetes Institute, Shanghai Sixth People's Hospital Affiliated to Shanghai Jiao Tong University School of Medicine
Classification: Pathogenic for Type 2 diabetes mellitus. Last evaluated: 2024-09-23. Review status: criteria provided, single submitter. Criteria: ACMG Guidelines, 2015. Collection method: clinical testing. Allele origin: germline. Affected: yes. Observed: 1 variant allele.
Comment: NM_000352.6:c.2609C>T is a missense mutation in the ABCC8 gene, which leads to the substitution of Ala at position 870 with Val in its encoded peptide chain. The mutation is located within the NBD1 (nucleotide-binding domain 1) region of the SUR1 protein encoded by the ABCC8 gene. NBD1 is a critical functional domain of the SUR1 protein, responsible for ATP binding and hydrolysis, which is essential for the opening and closing of the channel (PM1). Bioinformatics tools including CADD, DANN, SIFT, and M-CAP predict that this variant is pathogenic. Additionally, the GERP score for this variant site is 5.26, indicating a high degree of evolutionary conservation (PP3). In summary, this variant meets criteria to be classified as pathogenic for diabetes mellitus based on the ACMG/AMP criteria applied, as specified by PS3, PM1, PM2, PP1, PP3, PP4.

NM_000352.6(ABCC8):c.2609C>T (p.Ala870Val)

Gene: ABCC8 (ATP binding cassette subfamily C member 8; minus strand). Cytogenetic location: 11p15.1.
Variant type: single nucleotide variant.
Coding change: c.2609C>T on transcript NM_000352.6 (MANE Select); coding-DNA position 2609, C replaced by T.
Protein change: p.Ala870Val; replaces alanine 870 with valine.
Molecular consequence: missense variant. On other transcripts: non-coding transcript variant (1).
Genome position (GRCh38, 1-based): chr11:17,410,601, G>A on the plus strand (C>T on the coding strand, the complement: ABCC8 is on the minus strand). VCF-style: chr11-17410601-G-A. GRCh37 (hg19) VCF-style: chr11-17432148-G-A.
Other names: c.2612C>T, p.Ala871Val (NM_001287174.3); c.2675C>T, p.Ala892Val (NM_001351295.2); c.2609C>T, p.Ala870Val (NM_001351296.2); c.2606C>T, p.Ala869Val (NM_001351297.2); short protein forms A869V, A870V, A871V, A892V.
Identifiers: ClinVar variation 3341095 (VCV003341095.1).
Genomic context (GRCh38, chr11:17,410,601, plus strand): 5'-AGCTTGTGGGTCACTAAGACCACTGTCCTCTTGTCGTCCCGGAGCAGCTCAAGGATGCCG[G>A]CCTGCATTAAGTGGTCACTCAGATGGATATCCAGAGCTGAGAAGGGGTCATCCTGGGCAG-3'
Protein context (NP_000343.2, residues 860-880): DIHLSDHLMQ[Ala870Val]GILELLRDDK